The following is an entry in ClinVar:

NM_020822.3(KCNT1):c.1381G>C (p.Glu461Gln)

Gene: KCNT1 (potassium sodium-activated channel subfamily T member 1; plus strand). Cytogenetic location: 9q34.3.
Variant type: single nucleotide variant.
Coding change: c.1381G>C on transcript NM_020822.3 (MANE Select); coding-DNA position 1381, G replaced by C.
Protein change: p.Glu461Gln; replaces glutamic acid 461 with glutamine.
Molecular consequence: missense variant.
Genome position (GRCh38, 1-based): chr9:135,768,653, G>C. VCF-style: chr9-135768653-G-C. GRCh37 (hg19) VCF-style: chr9-138660499-G-C.
Other names: c.1246G>C, p.Glu416Gln (NM_001272003.2); c.1381G>C (NM_020822.2); short protein forms E416Q, E461Q.
Identifiers: ClinVar variation 1404091 (VCV001404091.7), dbSNP rs141311481, ClinGen allele CA201471890.

ClinVar aggregate classification (germline): Uncertain significance. Review status: criteria provided, multiple submitters, no conflicts (2 of 4 stars). 2 submissions from 2 submitters: Uncertain significance (2). Last evaluated 2025-09-25.

Conditions:
Inborn genetic diseases. Identifiers: MedGen C0950123, MeSH D030342.
Autosomal dominant nocturnal frontal lobe epilepsy 5. Also called: CILIARY DYSKINESIA, PRIMARY, 28, WITH SITUS INVERSUS; KCNT1-Related Epilepsy; CILIARY DYSKINESIA, PRIMARY, 28, WITHOUT SITUS INVERSUS; Epilepsy, nocturnal frontal lobe, 5. Identifiers: Orphanet 98784, MedGen C3554306, MONDO:0014002, OMIM 615005.
Developmental and epileptic encephalopathy, 14 (DEE14). Also called: Early infantile epileptic encephalopathy 14. Identifiers: Orphanet 293181, MedGen C3554195, MONDO:0013989, OMIM 614959.

Allele frequency attached by ClinVar (database versions not stated): gnomAD 0.00001; ESP Exome Variant Server 0.00009.
gnomAD v4.1: 58 of 1,550,390 alleles (0.0037%); highest among the groups gnomAD compares: Non-Finnish European, 0.0046%; no homozygotes.

Submissions (2):

Labcorp Genetics (formerly Invitae), Labcorp
Classification: Uncertain significance for Autosomal dominant nocturnal frontal lobe epilepsy 5; Developmental and epileptic encephalopathy, 14. Last evaluated: 2025-09-25. Review status: criteria provided, single submitter. Criteria: Invitae Variant Classification Sherloc (09022015). Collection method: clinical testing. Allele origin: germline.
Comment: This sequence change replaces glutamic acid, which is acidic and polar, with glutamine, which is neutral and polar, at codon 461 of the KCNT1 protein (p.Glu461Gln). This variant is present in population databases (rs141311481, gnomAD 0.004%). This variant has not been reported in the literature in individuals affected with KCNT1-related conditions. ClinVar contains an entry for this variant (Variation ID: 1404091). Invitae Evidence Modeling of protein sequence and biophysical properties (such as structural, functional, and spatial information, amino acid conservation, physicochemical variation, residue mobility, and thermodynamic stability) indicates that this missense variant is not expected to disrupt KCNT1 protein function with a negative predictive value of 80%. In summary, the available evidence is currently insufficient to determine the role of this variant in disease. Therefore, it has been classified as a Variant of Uncertain Significance.

Ambry Genetics
Classification: Uncertain significance for Inborn genetic diseases. Last evaluated: 2020-12-01. Review status: criteria provided, single submitter. Criteria: Ambry Variant Classification Scheme 2023. Collection method: clinical testing. Allele origin: germline.